The following is an entry in ClinVar:

NM_001035.3(RYR2):c.6235G>A (p.Glu2079Lys)

Gene: RYR2 (ryanodine receptor 2; plus strand). Cytogenetic location: 1q43.
Variant type: single nucleotide variant.
Coding change: c.6235G>A on transcript NM_001035.3 (MANE Select); coding-DNA position 6235, G replaced by A.
Protein change: p.Glu2079Lys; replaces glutamic acid 2079 with lysine.
Molecular consequence: missense variant.
Genome position (GRCh38, 1-based): chr1:237,627,875, G>A. VCF-style: chr1-237627875-G-A. GRCh37 (hg19) VCF-style: chr1-237791175-G-A.
Other names: short protein forms E2079K.
Identifiers: ClinVar variation 2435636 (VCV002435636.9), dbSNP rs769596818, ClinGen allele CA087079.

ClinVar aggregate classification (germline): Uncertain significance. Review status: criteria provided, multiple submitters, no conflicts (2 of 4 stars). 4 submissions from 4 submitters: Uncertain significance (4). Last evaluated 2025-12-08.

Conditions:
Catecholaminergic polymorphic ventricular tachycardia (CVPT). Also called: Catecholamine-induced polymorphic ventricular tachycardia. Identifiers: Orphanet 3286, MedGen C5574922, MONDO:0017990.
Catecholaminergic polymorphic ventricular tachycardia 1. Also called: VENTRICULAR TACHYCARDIA, CATECHOLAMINERGIC POLYMORPHIC, 1, WITH OR WITHOUT ATRIAL DYSFUNCTION AND/OR DILATED CARDIOMYOPATHY; RYR2-Related Catecholaminergic Polymorphic Ventricular Tachycardia; VENTRICULAR TACHYCARDIA, STRESS-INDUCED POLYMORPHIC 1. Identifiers: Orphanet 3286, MedGen C1631597, MONDO:0011484, OMIM 604772.
Cardiomyopathy (CMYO). Also called: Cardiomyopathies. Identifiers: Orphanet 167848, MedGen C0878544, MONDO:0004994, HP:0001638. Inheritance: Various modes of inheritance.

Allele frequency attached by ClinVar (database versions not stated): TOPMed below 0.00001; ExAC 0.00001; gnomAD 0.00001.
gnomAD v4.1: 10 of 1,613,594 alleles (0.00062%); highest among the groups gnomAD compares: Admixed American, 0.0017%; no homozygotes.

Submissions (4):

Labcorp Genetics (formerly Invitae), Labcorp
Classification: Uncertain significance for Catecholaminergic polymorphic ventricular tachycardia 1. Last evaluated: 2025-12-08. Review status: criteria provided, single submitter. Criteria: Invitae Variant Classification Sherloc (09022015). Collection method: clinical testing. Allele origin: germline.
Comment: This sequence change replaces glutamic acid, which is acidic and polar, with lysine, which is basic and polar, at codon 2079 of the RYR2 protein (p.Glu2079Lys). This variant is present in population databases (rs769596818, gnomAD 0.0009%). This variant has not been reported in the literature in individuals affected with RYR2-related conditions. ClinVar contains an entry for this variant (Variation ID: 2435636). Invitae Evidence Modeling of protein sequence and biophysical properties (such as structural, functional, and spatial information, amino acid conservation, physicochemical variation, residue mobility, and thermodynamic stability) has been performed for this missense variant. However, the output from this modeling did not meet the statistical confidence thresholds required to predict the impact of this variant on RYR2 protein function. In summary, the available evidence is currently insufficient to determine the role of this variant in disease. Therefore, it has been classified as a Variant of Uncertain Significance.

Color Diagnostics, LLC DBA Color Health
Classification: Uncertain significance for Cardiomyopathy. Last evaluated: 2024-06-18. Review status: criteria provided, single submitter. Criteria: ACMG Guidelines, 2015. Collection method: clinical testing. Allele origin: germline.
Comment: This missense variant replaces glutamic acid with lysine at codon 2079 of the RYR2 protein. Computational prediction is inconclusive regarding the impact of this variant on protein structure and function. To our knowledge, functional studies have not been reported for this variant. This variant has not been reported in individuals affected with RYR2-related disorders in the literature. This variant has been identified in 1/248774 chromosomes in the general population by the Genome Aggregation Database (gnomAD). The available evidence is insufficient to determine the role of this variant in disease conclusively. Therefore, this variant is classified as a Variant of Uncertain Significance.

All of Us Research Program, National Institutes of Health
Classification: Uncertain significance for Catecholaminergic polymorphic ventricular tachycardia. Last evaluated: 2024-03-05. Review status: criteria provided, single submitter. Criteria: ACMG Guidelines, 2015. Collection method: clinical testing. Allele origin: germline. Inheritance: Autosomal dominant inheritance. Observed: 3 variant alleles, 3 heterozygotes.
Comment: This missense variant replaces glutamic acid with lysine at codon 2079 of the RYR2 protein. Computational prediction is inconclusive regarding the impact of this variant on protein structure and function (internally defined REVEL score threshold 0.5 < inconclusive < 0.7, PMID: 27666373). To our knowledge, functional studies have not been reported for this variant. This variant has not been reported in individuals affected with RYR2-related disorders in the literature. This variant has been identified in 1/248774 chromosomes in the general population by the Genome Aggregation Database (gnomAD). The available evidence is insufficient to determine the role of this variant in disease conclusively. Therefore, this variant is classified as a Variant of Uncertain Significance.

This study involves interpretation of variants in research participants for the purpose of population health screening. Participant phenotype was not available at the time of variant classification. Additional details can be found in publication PMID: 35346344, PMCID: PMC8962531

Revvity Omics, Revvity
Classification: Uncertain significance. Last evaluated: 2021-11-01. Review status: criteria provided, single submitter. Criteria: ACMG Guidelines, 2015. Collection method: clinical testing. Allele origin: germline.